The following is an entry in ClinVar:

NM_153006.3(NAGS):c.1593C>G (p.Asp531Glu)

Gene: NAGS (N-acetylglutamate synthase; plus strand). Cytogenetic location: 17q21.31.
Variant type: single nucleotide variant.
Coding change: c.1593C>G on transcript NM_153006.3 (MANE Select); coding-DNA position 1593, C replaced by G.
Protein change: p.Asp531Glu; replaces aspartic acid 531 with glutamic acid.
Molecular consequence: missense variant.
Genome position (GRCh38, 1-based): chr17:44,008,589, C>G. VCF-style: chr17-44008589-C-G. GRCh37 (hg19) VCF-style: chr17-42085957-C-G.
Other names: short protein forms D531E.
Identifiers: ClinVar variation 1420702 (VCV001420702.6), dbSNP rs748372797, ClinGen allele CA8595459.

ClinVar aggregate classification (germline): Uncertain significance. Review status: criteria provided, multiple submitters, no conflicts (2 of 4 stars). 2 submissions from 2 submitters: Uncertain significance (2). Last evaluated 2026-01-19.

Conditions:
Hyperammonemia, type III (NAGSD). Also called: Hyperammonemia due to N-acetylglutamate synthase deficiency. Identifiers: Orphanet 927, MedGen C0268543, MONDO:0009377, OMIM 237310.

Allele frequency attached by ClinVar (database versions not stated): ExAC 0.00001; gnomAD exomes 0.00001; gnomAD 0.00002.
gnomAD v4.1: 25 of 1,613,614 alleles (0.0015%); highest among the groups gnomAD compares: Non-Finnish European, 0.002%; no homozygotes.

Submissions (2):

Labcorp Genetics (formerly Invitae), Labcorp
Classification: Uncertain significance for Hyperammonemia, type III. Last evaluated: 2026-01-19. Review status: criteria provided, single submitter. Criteria: Invitae Variant Classification Sherloc (09022015). Collection method: clinical testing. Allele origin: germline.
Comment: This sequence change replaces aspartic acid, which is acidic and polar, with glutamic acid, which is acidic and polar, at codon 531 of the NAGS protein (p.Asp531Glu). This variant is present in population databases (rs748372797, gnomAD 0.003%). This variant has not been reported in the literature in individuals affected with NAGS-related conditions. ClinVar contains an entry for this variant (Variation ID: 1420702). An algorithm developed to predict the effect of missense changes on protein structure and function (PolyPhen-2) suggests that this variant is likely to be disruptive. In summary, the available evidence is currently insufficient to determine the role of this variant in disease. Therefore, it has been classified as a Variant of Uncertain Significance.

Revvity Omics, Revvity
Classification: Uncertain significance for Hyperammonemia, type III. Last evaluated: 2022-03-28. Review status: criteria provided, single submitter. Criteria: ACMG Guidelines, 2015. Collection method: clinical testing. Allele origin: germline.